The following is an entry in ClinVar:

NM_016169.4(SUFU):c.1145C>G (p.Pro382Arg)

Gene: SUFU (SUFU negative regulator of hedgehog signaling; plus strand). Cytogenetic location: 10q24.32.
Variant type: single nucleotide variant.
Coding change: c.1145C>G on transcript NM_016169.4 (MANE Select); coding-DNA position 1145, C replaced by G.
Protein change: p.Pro382Arg; replaces proline 382 with arginine.
Molecular consequence: missense variant.
Genome position (GRCh38, 1-based): chr10:102,615,390, C>G. VCF-style: chr10-102615390-C-G. GRCh37 (hg19) VCF-style: chr10-104375147-C-G.
Other names: c.1145C>G, p.Pro382Arg (NM_001178133.2); short protein forms P382R.
Identifiers: ClinVar variation 2952545 (VCV002952545.3), dbSNP rs1401882800, ClinGen allele CA377914548.

ClinVar aggregate classification (germline): Uncertain significance (1 of 4 stars; one submission).

Conditions:
Medulloblastoma (MDB). Also called: MEDULLOBLASTOMA PREDISPOSITION SYNDROME; Medulloblastoma, somatic. Identifiers: Orphanet 616, MedGen C0025149, MeSH D008527, MONDO:0007959, OMIM 155255, HP:0002885.
Gorlin syndrome. Also called: Nevoid Basal Cell Carcinoma Syndrome; Basal cell nevus syndrome. Identifiers: Orphanet 377, MedGen C0004779, MONDO:0007187.

Submission:

Labcorp Genetics (formerly Invitae), Labcorp
Classification: Uncertain significance for Gorlin syndrome; Medulloblastoma. Last evaluated: 2023-10-05. Review status: criteria provided, single submitter. Criteria: Invitae Variant Classification Sherloc (09022015). Collection method: clinical testing. Allele origin: germline.
Comment: This sequence change replaces proline, which is neutral and non-polar, with arginine, which is basic and polar, at codon 382 of the SUFU protein (p.Pro382Arg). This variant is not present in population databases (gnomAD no frequency). This variant has not been reported in the literature in individuals affected with SUFU-related conditions. Advanced modeling of protein sequence and biophysical properties (such as structural, functional, and spatial information, amino acid conservation, physicochemical variation, residue mobility, and thermodynamic stability) has been performed at Invitae for this missense variant, however the output from this modeling did not meet the statistical confidence thresholds required to predict the impact of this variant on SUFU protein function. In summary, the available evidence is currently insufficient to determine the role of this variant in disease. Therefore, it has been classified as a Variant of Uncertain Significance.